The following is an entry in ClinVar:

NM_000396.4(CTSK):c.208del (p.Thr70fs)

Gene: CTSK (cathepsin K; minus strand). Cytogenetic location: 1q21.3.
Variant type: Deletion.
Coding change: c.208del on transcript NM_000396.4 (MANE Select); coding-DNA position 208, one base deleted (A; older notation c.208delA).
Protein change: p.Thr70fs; shifts the reading frame from threonine 70.
Molecular consequence: frameshift variant.
Genome position (GRCh38, 1-based): chr1:150,806,137, T deleted on the plus strand (A on the coding strand, the reverse complement: CTSK is on the minus strand). VCF-style (leftmost placement, unchanged base first): chr1-150806136-GT-G. GRCh37 (hg19) VCF-style: chr1-150778612-GT-G.
Other names: short protein forms T70fs.
Identifiers: ClinVar variation 5013725 (VCV005013725.1).

ClinVar aggregate classification (germline): Pathogenic (1 of 4 stars; one submission).

Conditions:
Pyknodysostosis. Also called: Pycnodysostosis. Identifiers: Orphanet 763, MedGen C0238402, MONDO:0009940, OMIM 265800.

Submission:

Myriad Genetics, Inc.
Classification: Pathogenic for Pyknodysostosis. Last evaluated: 2024-11-09. Review status: criteria provided, single submitter. Criteria: Myriad Autosomal Dominant, Autosomal Recessive and X-Linked Classification Criteria (2023). Collection method: clinical testing. Allele origin: unknown.
Comment: NM_000396.3(CTSK):c.208delA(T70Hfs*6) is expected to be pathogenic in the context of pycnodysostosis. This variant is predicted to lead to an abnormal or absent protein product due to the creation of a premature termination codon in CTSK, a gene where loss-of-function variants are known to be pathogenic. Please note: this variant was assessed in the context of healthy population screening.